The following is an entry in ClinVar:

NM_000631.5(NCF4):c.506G>A (p.Arg169His)

Gene: NCF4 (neutrophil cytosolic factor 4; plus strand). Cytogenetic location: 22q12.3.
Variant type: single nucleotide variant.
Coding change: c.506G>A on transcript NM_000631.5 (MANE Select); coding-DNA position 506, G replaced by A.
Protein change: p.Arg169His; replaces arginine 169 with histidine.
Molecular consequence: missense variant.
Genome position (GRCh38, 1-based): chr22:36,871,687, G>A. VCF-style: chr22-36871687-G-A. GRCh37 (hg19) VCF-style: chr22-37267729-G-A.
Other names: c.506G>A, p.Arg169His (NM_013416.4); short protein forms R169H.
Identifiers: ClinVar variation 846603 (VCV000846603.7), dbSNP rs371308317, ClinGen allele CA10213030.

ClinVar aggregate classification (germline): Uncertain significance. Review status: criteria provided, multiple submitters, no conflicts (2 of 4 stars). 2 submissions from 2 submitters: Uncertain significance (2). Last evaluated 2025-04-18.

Conditions:
Granulomatous disease, chronic, autosomal recessive, cytochrome b-positive, type 3. Also called: Granulomatous disease, chronic, autosomal recessive, cytochrome b-positive, type III; GRANULOMATOUS DISEASE, CHRONIC, AUTOSOMAL RECESSIVE, 3; CGD, AUTOSOMAL RECESSIVE CYTOCHROME b-POSITIVE, TYPE III; GRANULOMATOUS DISEASE, CHRONIC, DUE TO NCF4 DEFICIENCY. Identifiers: Orphanet 379, MedGen C3151409, MONDO:0013507, OMIM 613960.

Allele frequency attached by ClinVar (database versions not stated): ExAC 0.00008; ESP Exome Variant Server 0.00008; TOPMed 0.00009.

Submissions (2):

Ambry Genetics
Classification: Uncertain significance. Last evaluated: 2025-04-18. Review status: criteria provided, single submitter. Criteria: Ambry Variant Classification Scheme 2023. Collection method: clinical testing. Allele origin: germline.

Labcorp Genetics (formerly Invitae), Labcorp
Classification: Uncertain significance for Granulomatous disease, chronic, autosomal recessive, cytochrome b-positive, type 3. Last evaluated: 2024-10-22. Review status: criteria provided, single submitter. Criteria: Invitae Variant Classification Sherloc (09022015). Collection method: clinical testing. Allele origin: germline.
Comment: This sequence change replaces arginine, which is basic and polar, with histidine, which is basic and polar, at codon 169 of the NCF4 protein (p.Arg169His). The frequency data for this variant in the population databases is considered unreliable, as metrics indicate poor data quality at this position in the gnomAD database. This variant has not been reported in the literature in individuals affected with NCF4-related conditions. ClinVar contains an entry for this variant (Variation ID: 846603). An algorithm developed to predict the effect of missense changes on protein structure and function outputs the following: PolyPhen-2: "Benign". The histidine amino acid residue is found in multiple mammalian species, which suggests that this missense change does not adversely affect protein function. In summary, the available evidence is currently insufficient to determine the role of this variant in disease. Therefore, it has been classified as a Variant of Uncertain Significance.